The following is an entry in ClinVar:

NM_014324.6(AMACR):c.518G>A (p.Arg173His)

Genes: C1QTNF3-AMACR (C1QTNF3-AMACR readthrough (NMD candidate); minus strand), AMACR (alpha-methylacyl-CoA racemase; minus strand). Cytogenetic location: 5p13.2.
Variant type: single nucleotide variant.
Coding change: c.518G>A on transcript NM_014324.6 (MANE Select); coding-DNA position 518, G replaced by A.
Protein change: p.Arg173His; replaces arginine 173 with histidine.
Molecular consequence: missense variant. On other transcripts: intron variant (1).
Genome position (GRCh38, 1-based): chr5:34,004,608, C>T on the plus strand (G>A on the coding strand, the complement: AMACR is on the minus strand). VCF-style: chr5-34004608-C-T. GRCh37 (hg19) VCF-style: chr5-34004713-C-T.
Other names: c.518G>A, p.Arg173His (NM_001167595.2); c.391+1148G>A (NM_203382.3); short protein forms R173H.
Identifiers: ClinVar variation 1308710 (VCV001308710.4), dbSNP rs201818706, ClinGen allele CA3226187.

ClinVar aggregate classification (germline): Uncertain significance. Review status: criteria provided, multiple submitters, no conflicts (2 of 4 stars). 2 submissions from 2 submitters: Uncertain significance (2). Last evaluated 2022-08-20.

Conditions:
Alpha-methylacyl-CoA racemase deficiency (AMACRD). Also called: AMACR deficiency. Identifiers: Orphanet 79095, MedGen C3280428, MONDO:0013681, OMIM 614307. Disease mechanism: loss of function.

Allele frequency attached by ClinVar (database versions not stated): ExAC 0.00006; gnomAD exomes 0.00006; gnomAD 0.00009; TOPMed 0.00013; ESP Exome Variant Server 0.00015; 1000 Genomes Project 30x 0.00016; 1000 Genomes Project 0.00020.
gnomAD v4.1: 52 of 1,614,100 alleles (0.0032%); highest among the groups gnomAD compares: South Asian, 0.02%; no homozygotes.

Submissions (2):

Labcorp Genetics (formerly Invitae), Labcorp
Classification: Uncertain significance for Alpha-methylacyl-CoA racemase deficiency. Last evaluated: 2022-08-20. Review status: criteria provided, single submitter. Criteria: Invitae Variant Classification Sherloc (09022015). Collection method: clinical testing. Allele origin: germline.
Comment: This sequence change replaces arginine, which is basic and polar, with histidine, which is basic and polar, at codon 173 of the AMACR protein (p.Arg173His). This variant is present in population databases (rs201818706, gnomAD 0.02%). This variant has not been reported in the literature in individuals affected with AMACR-related conditions. ClinVar contains an entry for this variant (Variation ID: 1308710). Algorithms developed to predict the effect of missense changes on protein structure and function output the following: SIFT: "Tolerated"; PolyPhen-2: "Benign"; Align-GVGD: "Class C0". The histidine amino acid residue is found in multiple mammalian species, which suggests that this missense change does not adversely affect protein function. In summary, the available evidence is currently insufficient to determine the role of this variant in disease. Therefore, it has been classified as a Variant of Uncertain Significance.

GeneDx
Classification: Uncertain significance. Last evaluated: 2019-10-08. Review status: criteria provided, single submitter. Criteria: GeneDx Variant Classification Process June 2021. Collection method: clinical testing. Allele origin: germline. Affected: yes.
Comment: In silico analysis, which includes splice predictors and evolutionary conservation, supports that this variant does not alter protein structure/function; Has not been previously published as pathogenic or benign to our knowledge